The following is an entry in ClinVar:

NM_001042492.3(NF1):c.288+5G>C

Gene: NF1 (neurofibromin 1; plus strand). Cytogenetic location: 17q11.2.
Variant type: single nucleotide variant.
Coding change: c.288+5G>C on transcript NM_001042492.3 (MANE Select); 5 bases into the intron after coding-DNA position 288, G replaced by C.
Molecular consequence: intron variant.
Genome position (GRCh38, 1-based): chr17:31,159,098, G>C. VCF-style: chr17-31159098-G-C. GRCh37 (hg19) VCF-style: chr17-29486116-G-C.
Other names: c.288+5G>C (NM_000267.4, NM_001128147.3).
Identifiers: ClinVar variation 1069051 (VCV001069051.6), dbSNP rs1555605409, ClinGen allele CA2499223976.

ClinVar aggregate classification (germline): Pathogenic. Review status: criteria provided, multiple submitters, no conflicts (2 of 4 stars). 2 submissions from 2 submitters: Pathogenic (2). Last evaluated 2025-10-14.

Conditions:
Neurofibromatosis, type 1 (NF1). Also called: VON RECKLINGHAUSEN DISEASE; Peripheral type neurofibromatosis; NEUROFIBROMATOSIS, TYPE I, SOMATIC; Neurofibromatosis, type I. Identifiers: Orphanet 636, MedGen C0027831, MONDO:0018975, OMIM 162200. Disease mechanism: loss of function.

Submissions (2):

Labcorp Genetics (formerly Invitae), Labcorp
Classification: Pathogenic for Neurofibromatosis, type 1. Last evaluated: 2025-10-14. Review status: criteria provided, single submitter. Criteria: Invitae Variant Classification Sherloc (09022015). Collection method: clinical testing. Allele origin: germline.
Comment: This sequence change falls in intron 3 of the NF1 gene. It does not directly change the encoded amino acid sequence of the NF1 protein. It affects a nucleotide within the consensus splice site. This variant is not present in population databases (gnomAD no frequency). This variant has been observed in individuals with neurofibromatosis type 1 (PMID: 12624144, 31776437). It has also been observed to segregate with disease in related individuals. ClinVar contains an entry for this variant (Variation ID: 1069051). Variants that disrupt the consensus splice site are a relatively common cause of aberrant splicing (PMID: 17576681, 9536098). Algorithms developed to predict the effect of sequence changes on RNA splicing suggest that this variant may disrupt the consensus splice site. This variant disrupts the c.288+5G nucleotide in the NF1 gene. Other variant(s) that disrupt this nucleotide have been determined to be pathogenic (PMID: 27999334; internal data). This suggests that this nucleotide is clinically significant, and that variants that disrupt this position are likely to be disease-causing. For these reasons, this variant has been classified as Pathogenic.

NHS Central & South Genomic Laboratory Hub
Classification: Pathogenic for Neurofibromatosis type 1. Last evaluated: 2025-04-09. Review status: criteria provided, single submitter. Criteria: ACMG Guidelines, 2015. Collection method: clinical testing. Allele origin: germline. Affected: yes.

Literature cited by the submitters: PubMed 12624144 (cited by Labcorp Genetics (formerly Invitae), Labcorp); PubMed 31776437 (cited by Labcorp Genetics (formerly Invitae), Labcorp); PubMed 17576681 (cited by Labcorp Genetics (formerly Invitae), Labcorp); PubMed 9536098 (cited by Labcorp Genetics (formerly Invitae), Labcorp); PubMed 27999334 (cited by Labcorp Genetics (formerly Invitae), Labcorp).